The following is an entry in ClinVar:

ClinVar aggregate classification (germline): Uncertain significance (1 of 4 stars; one submission).

Conditions:
Cardiovascular phenotype. Identifiers: MedGen CN230736.

Allele frequency attached by ClinVar (database versions not stated): ExAC 0.00002.
gnomAD v4.1: 13 of 1,614,128 alleles (0.00081%); highest among the groups gnomAD compares: Non-Finnish European, 0.001%; no homozygotes.

Submission:

Ambry Genetics
Classification: Uncertain significance for Cardiovascular phenotype. Last evaluated: 2022-12-23. Review status: criteria provided, single submitter. Criteria: Ambry Variant Classification Scheme 2023. Collection method: clinical testing. Allele origin: germline.
Comment: The p.H754R variant (also known as c.2261A>G), located in coding exon 18 of the JAG1 gene, results from an A to G substitution at nucleotide position 2261. The histidine at codon 754 is replaced by arginine, an amino acid with highly similar properties. This amino acid position is conserved. In addition, the in silico prediction for this alteration is inconclusive. Since supporting evidence is limited at this time, the clinical significance of this alteration remains unclear.

NM_000214.3(JAG1):c.2261A>G (p.His754Arg)

Gene: JAG1 (jagged canonical Notch ligand 1; minus strand). Cytogenetic location: 20p12.2.
Variant type: single nucleotide variant.
Coding change: c.2261A>G on transcript NM_000214.3 (MANE Select); coding-DNA position 2261, A replaced by G.
Protein change: p.His754Arg; replaces histidine 754 with arginine.
Molecular consequence: missense variant.
Genome position (GRCh38, 1-based): chr20:10,644,946, T>C on the plus strand (A>G on the coding strand, the complement: JAG1 is on the minus strand). VCF-style: chr20-10644946-T-C. GRCh37 (hg19) VCF-style: chr20-10625594-T-C.
Other names: short protein forms H754R.
Identifiers: ClinVar variation 3230615 (VCV003230615.1), dbSNP rs774572140, ClinGen allele CA9764570.
Genomic context (GRCh38, chr20:10,644,946, plus strand): 5'-CAGCCTTCCTTGCAGACGCACGTAAAGGACTCGCCGTTGACCACACATGTGCCCCCATTA[T>C]GGCAGGGGTTGGGCAGGCAGCTACTGTTTCGGGCTATAAAAGAAGAGCAGACACGACCAC-3'
Protein context (NP_000205.1, residues 744-764): RNSSCLPNPC[His754Arg]NGGTCVVNGE